The following is an entry in ClinVar:

ClinVar aggregate classification (germline): Pathogenic (1 of 4 stars; one submission).

Submission:

Labcorp Genetics (formerly Invitae), Labcorp
Classification: Pathogenic. Last evaluated: 2025-06-06. Review status: criteria provided, single submitter. Criteria: Invitae Variant Classification Sherloc (09022015). Collection method: clinical testing. Allele origin: germline.
Comment: This sequence change creates a premature translational stop signal (p.Arg1042Glyfs*2) in the TCF20 gene. It is expected to result in an absent or disrupted protein product. Loss-of-function variants in TCF20 are known to be pathogenic (PMID: 30739909, 30819258). This variant is not present in population databases (gnomAD no frequency). This variant has not been reported in the literature in individuals affected with TCF20-related conditions. For these reasons, this variant has been classified as Pathogenic.

Literature cited by the submitters: PubMed 30739909; PubMed 30819258.

NM_001378418.1(TCF20):c.3124_3125del (p.Arg1042fs)

Gene: TCF20 (transcription factor 20; minus strand). Cytogenetic location: 22q13.2.
Variant type: Microsatellite.
Coding change: c.3124_3125del on transcript NM_001378418.1 (MANE Select); coding-DNA positions 3124 to 3125, 2 bases deleted (AG; older notation c.3124_3125delAG).
Protein change: p.Arg1042fs; shifts the reading frame from arginine 1042.
Molecular consequence: frameshift variant.
Genome position (GRCh38, 1-based): chr22:42,212,181-42,212,182, CT deleted on the plus strand (AG on the coding strand, the reverse complement: TCF20 is on the minus strand); deleting any 2 consecutive bases within chr22:42,212,181-42,212,186 gives the same sequence; the c. name uses the placement nearest the transcript's 3' end. VCF-style (leftmost placement, unchanged base first): chr22-42212180-CCT-C. GRCh37 (hg19) VCF-style: chr22-42608186-CCT-C.
Other names: c.3124_3125del, p.Arg1042fs (NM_005650.4, NM_181492.3); short protein forms R1042fs.
Identifiers: ClinVar variation 4720900 (VCV004720900.1).